The following is an entry in ClinVar:

NM_015909.4(NBAS):c.4629G>C (p.Leu1543Phe)

Gene: NBAS (NBAS subunit of NRZ tethering complex; minus strand). Cytogenetic location: 2p24.3.
Variant type: single nucleotide variant.
Coding change: c.4629G>C on transcript NM_015909.4 (MANE Select); coding-DNA position 4629, G replaced by C.
Protein change: p.Leu1543Phe; replaces leucine 1543 with phenylalanine.
Molecular consequence: missense variant. On other transcripts: non-coding transcript variant (1).
Genome position (GRCh38, 1-based): chr2:15,309,201, C>G on the plus strand (G>C on the coding strand, the complement: NBAS is on the minus strand). VCF-style: chr2-15309201-C-G. GRCh37 (hg19) VCF-style: chr2-15449325-C-G.
Other names: short protein forms L1543F.
Identifiers: ClinVar variation 2784151 (VCV002784151.3), dbSNP rs1333934729, ClinGen allele CA345893641.

ClinVar aggregate classification (germline): Uncertain significance (1 of 4 stars; one submission).

gnomAD v4.1: 2 of 1,612,722 alleles (0.00012%); highest among the groups gnomAD compares: East Asian, 0.0022%; no homozygotes.

Submission:

Labcorp Genetics (formerly Invitae), Labcorp
Classification: Uncertain significance. Last evaluated: 2022-11-12. Review status: criteria provided, single submitter. Criteria: Invitae Variant Classification Sherloc (09022015). Collection method: clinical testing. Allele origin: germline.
Comment: In summary, the available evidence is currently insufficient to determine the role of this variant in disease. Therefore, it has been classified as a Variant of Uncertain Significance. Advanced modeling of protein sequence and biophysical properties (such as structural, functional, and spatial information, amino acid conservation, physicochemical variation, residue mobility, and thermodynamic stability) performed at Invitae indicates that this missense variant is not expected to disrupt NBAS protein function. This variant has not been reported in the literature in individuals affected with NBAS-related conditions. This variant is present in population databases (no rsID available, gnomAD 0.006%). This sequence change replaces leucine, which is neutral and non-polar, with phenylalanine, which is neutral and non-polar, at codon 1543 of the NBAS protein (p.Leu1543Phe).